The following is an entry in ClinVar:

ClinVar aggregate classification (germline): Conflicting classifications of pathogenicity. Review status: criteria provided, conflicting classifications (1 of 4 stars). 2 submissions from 2 submitters: Uncertain significance (1); Likely benign (1). Last evaluated 2024-05-16.

Conditions:
Intellectual developmental disorder, autosomal dominant 54. Also called: MENTAL RETARDATION, AUTOSOMAL DOMINANT 54; Intellectual disability, autosomal dominant 54. Identifiers: MedGen C4540484, MONDO:0030920, OMIM 617799.

Allele frequency attached by ClinVar (database versions not stated): gnomAD exomes 0.00001; TOPMed 0.00001; gnomAD 0.00003.
gnomAD v4.1: 27 of 1,591,760 alleles (0.0017%); highest among the groups gnomAD compares: African/African-American, 0.0054%; no homozygotes.

Submissions (2):

Labcorp Genetics (formerly Invitae), Labcorp
Classification: Uncertain significance. Last evaluated: 2024-05-16. Review status: criteria provided, single submitter. Criteria: Invitae Variant Classification Sherloc (09022015). Collection method: clinical testing. Allele origin: germline.
Comment: This sequence change replaces proline, which is neutral and non-polar, with leucine, which is neutral and non-polar, at codon 664 of the CAMK2B protein (p.Pro664Leu). The frequency data for this variant in the population databases is considered unreliable, as metrics indicate poor data quality at this position in the gnomAD database. This variant has not been reported in the literature in individuals affected with CAMK2B-related conditions. ClinVar contains an entry for this variant (Variation ID: 2152027). An algorithm developed to predict the effect of missense changes on protein structure and function (PolyPhen-2) suggests that this variant is likely to be disruptive. In summary, the available evidence is currently insufficient to determine the role of this variant in disease. Therefore, it has been classified as a Variant of Uncertain Significance.

Genomic Medicine Center of Excellence, King Faisal Specialist Hospital and Research Centre
Classification: Likely benign for Intellectual developmental disorder, autosomal dominant 54. Last evaluated: 2024-03-26. Review status: criteria provided, single submitter. Criteria: ACMG Guidelines, 2015. Collection method: clinical testing. Allele origin: germline.

NM_001220.5(CAMK2B):c.1991C>T (p.Pro664Leu)

Gene: CAMK2B (calcium/calmodulin dependent protein kinase II beta; minus strand). Cytogenetic location: 7p13.
Variant type: single nucleotide variant.
Coding change: c.1991C>T on transcript NM_001220.5 (MANE Select); coding-DNA position 1991, C replaced by T.
Protein change: p.Pro664Leu; replaces proline 664 with leucine.
Molecular consequence: missense variant.
Genome position (GRCh38, 1-based): chr7:44,220,072, G>A on the plus strand (C>T on the coding strand, the complement: CAMK2B is on the minus strand). VCF-style: chr7-44220072-G-A. GRCh37 (hg19) VCF-style: chr7-44259671-G-A.
Other names: c.1619C>T, p.Pro540Leu (NM_001293170.2, NM_172078.3); c.1547C>T, p.Pro516Leu (NM_172079.3); c.1544C>T, p.Pro515Leu (NM_172080.3); c.1502C>T, p.Pro501Leu (NM_172081.3); c.1469C>T, p.Pro490Leu (NM_172082.3); c.1430C>T, p.Pro477Leu (NM_172083.3); c.1340C>T, p.Pro447Leu (NM_172084.3); short protein forms P515L, P664L, P490L, P516L, P540L, P501L, P447L, P477L.
Identifiers: ClinVar variation 2152027 (VCV002152027.5), dbSNP rs1039889497, ClinGen allele CA157908975.